The following is an entry in ClinVar:

ClinVar aggregate classification (germline): Uncertain significance (1 of 4 stars; one submission).

Conditions:
Cardiovascular phenotype. Identifiers: MedGen CN230736.

gnomAD v4.1: 2 of 1,612,798 alleles (0.00012%); highest among the groups gnomAD compares: African/African-American, 0.0013%; no homozygotes.

Submission:

Ambry Genetics
Classification: Uncertain significance for Cardiovascular phenotype. Last evaluated: 2026-07-26. Review status: criteria provided, single submitter. Criteria: Ambry Variant Classification Scheme 2023. Collection method: clinical testing. Allele origin: germline.
Comment: The p.G664D variant (also known as c.1991G>A), located in coding exon 12 of the SOS2 gene, results from a G to A substitution at nucleotide position 1991. The glycine at codon 664 is replaced by aspartic acid, an amino acid with similar properties. This amino acid position is conserved. In addition, the in silico prediction for this alteration is inconclusive. Based on the available evidence, the clinical significance of this variant remains unclear.

NM_006939.4(SOS2):c.1991G>A (p.Gly664Asp)

Gene: SOS2 (SOS Ras/Rho guanine nucleotide exchange factor 2; minus strand). Cytogenetic location: 14q21.3.
Variant type: single nucleotide variant.
Coding change: c.1991G>A on transcript NM_006939.4 (MANE Select); coding-DNA position 1991, G replaced by A.
Protein change: p.Gly664Asp; replaces glycine 664 with aspartic acid.
Molecular consequence: missense variant.
Genome position (GRCh38, 1-based): chr14:50,157,065, C>T on the plus strand (G>A on the coding strand, the complement: SOS2 is on the minus strand). VCF-style: chr14-50157065-C-T. GRCh37 (hg19) VCF-style: chr14-50623783-C-T.
Other names: c.1892G>A, p.Gly631Asp (NM_001411020.1); short protein forms G631D, G664D.
Identifiers: ClinVar variation 5030029 (VCV005030029.1).